The following is an entry in ClinVar:

ClinVar aggregate classification (germline): Uncertain significance (1 of 4 stars; one submission).

Conditions:
Primary ciliary dyskinesia. Also called: Ciliary dyskinesia. Identifiers: Orphanet 244, MedGen C0008780, MONDO:0016575, HP:0012265.

Submission:

Labcorp Genetics (formerly Invitae), Labcorp
Classification: Uncertain significance for Primary ciliary dyskinesia. Last evaluated: 2025-10-18. Review status: criteria provided, single submitter. Criteria: Invitae Variant Classification Sherloc (09022015). Collection method: clinical testing. Allele origin: germline.
Comment: This sequence change replaces leucine, which is neutral and non-polar, with phenylalanine, which is neutral and non-polar, at codon 102 of the DNAH11 protein (p.Leu102Phe). This variant is not present in population databases (gnomAD no frequency). This variant has not been reported in the literature in individuals affected with DNAH11-related conditions. Invitae Evidence Modeling of protein sequence and biophysical properties (such as structural, functional, and spatial information, amino acid conservation, physicochemical variation, residue mobility, and thermodynamic stability) indicates that this missense variant is not expected to disrupt DNAH11 protein function with a negative predictive value of 95%. In summary, the available evidence is currently insufficient to determine the role of this variant in disease. Therefore, it has been classified as a Variant of Uncertain Significance.

NM_001277115.2(DNAH11):c.304C>T (p.Leu102Phe)

Gene: DNAH11 (dynein axonemal heavy chain 11; plus strand). Cytogenetic location: 7p15.3.
Variant type: single nucleotide variant.
Coding change: c.304C>T on transcript NM_001277115.2 (MANE Select); coding-DNA position 304, C replaced by T.
Protein change: p.Leu102Phe; replaces leucine 102 with phenylalanine.
Molecular consequence: missense variant.
Genome position (GRCh38, 1-based): chr7:21,543,549, C>T. VCF-style: chr7-21543549-C-T. GRCh37 (hg19) VCF-style: chr7-21583167-C-T.
Other names: short protein forms L102F.
Identifiers: ClinVar variation 4802708 (VCV004802708.1).